The following is an entry in ClinVar:

ClinVar aggregate classification (germline): Benign (1 of 4 stars; one submission).

Conditions:
Dyskeratosis congenita. Identifiers: Orphanet 1775, MedGen C0265965, MONDO:0015780.

Allele frequency attached by ClinVar (database versions not stated): gnomAD 0.00591 and 0.00633; TOPMed 0.00676; 1000 Genomes Project 0.00739; 1000 Genomes Project 30x 0.00796.

Submission:

Illumina Laboratory Services, Illumina
Classification: Benign for Dyskeratosis congenita. Last evaluated: 2018-01-13. Review status: criteria provided, single submitter. Criteria: ICSL Variant Classification Criteria 13 December 2019. Collection method: clinical testing. Allele origin: germline.
Comment: This variant was observed in the ICSL laboratory as part of a predisposition screen in an ostensibly healthy population. It had not been previously curated by ICSL or reported in the Human Gene Mutation Database (HGMD: prior to June 1st, 2018), and was therefore a candidate for classification through an automated scoring system. Utilizing variant allele frequency, disease prevalence and penetrance estimates, and inheritance mode, an automated score was calculated to assess if this variant is too frequent to cause the disease. Based on the score and internal cut-off values, a variant classified as benign is not then subjected to further curation. The score for this variant resulted in a classification of benign for this disease.

NM_025099.6(CTC1):c.*2006T>C

Gene: CTC1 (CST telomere replication complex component 1; minus strand). Cytogenetic location: 17p13.1.
Variant type: single nucleotide variant.
Coding change: c.*2006T>C on transcript NM_025099.6 (MANE Select); 2006 bases downstream of the stop codon, T replaced by C.
Molecular consequence: 3 prime UTR variant. On other transcripts: non-coding transcript variant (1).
Genome position (GRCh38, 1-based): chr17:8,226,174, A>G on the plus strand (T>C on the coding strand, the complement: CTC1 is on the minus strand). VCF-style: chr17-8226174-A-G. GRCh37 (hg19) VCF-style: chr17-8129492-A-G.
Identifiers: ClinVar variation 890906 (VCV000890906.4), dbSNP rs57270818, ClinGen allele CA287526496.